The following is an entry in ClinVar:

NM_001854.4(COL11A1):c.3397G>A (p.Glu1133Lys)

Gene: COL11A1 (collagen type XI alpha 1 chain; minus strand). Cytogenetic location: 1p21.1.
Variant type: single nucleotide variant.
Coding change: c.3397G>A on transcript NM_001854.4 (MANE Select); coding-DNA position 3397, G replaced by A.
Protein change: p.Glu1133Lys; replaces glutamic acid 1133 with lysine.
Molecular consequence: missense variant. On other transcripts: non-coding transcript variant (1).
Genome position (GRCh38, 1-based): chr1:102,939,076, C>T on the plus strand (G>A on the coding strand, the complement: COL11A1 is on the minus strand). VCF-style: chr1-102939076-C-T. GRCh37 (hg19) VCF-style: chr1-103404632-C-T.
Other names: c.3049G>A, p.Glu1017Lys (NM_001168249.1, NM_080630.4); c.3280G>A, p.Glu1094Lys (NM_001190709.2); c.3433G>A, p.Glu1145Lys (NM_080629.3); short protein forms E1017K, E1094K, E1133K, E1145K.
Identifiers: ClinVar variation 3031585 (VCV003031585.2), dbSNP rs757517185, ClinGen allele CA341169290.

ClinVar aggregate classification (germline): Uncertain significance (0 of 4 stars; one submission).

Conditions:
COL11A1-related disorder. Also called: COL11A1-related disorders; COL11A1-related condition.

gnomAD v4.1: 1 of 1,613,670 alleles (0.000062%); highest among the groups gnomAD compares: Non-Finnish European, 0.000085%; no homozygotes.

Submission:

PreventionGenetics, part of Exact Sciences
Classification: Uncertain significance for COL11A1-related condition. Last evaluated: 2023-11-01. Review status: no assertion criteria provided. Collection method: clinical testing. Allele origin: germline.
Comment: The COL11A1 c.3397G>A variant is predicted to result in the amino acid substitution p.Glu1133Lys. To our knowledge, this variant has not been reported in the literature or in a large population database, indicating this variant is rare. At this time, the clinical significance of this variant is uncertain due to the absence of conclusive functional and genetic evidence.